The following is an entry in ClinVar:

NM_000515.5(GH1):c.274G>A (p.Glu92Lys)

Genes: GH-LCR (growth hormone locus control region; plus strand), GH1 (growth hormone 1; minus strand). Cytogenetic location: 17q23.3.
Variant type: single nucleotide variant.
Coding change: c.274G>A on transcript NM_000515.5 (MANE Select); coding-DNA position 274, G replaced by A.
Protein change: p.Glu92Lys; replaces glutamic acid 92 with lysine.
Molecular consequence: missense variant. On other transcripts: intron variant (1).
Genome position (GRCh38, 1-based): chr17:63,918,034, C>T on the plus strand (G>A on the coding strand, the complement: GH1 is on the minus strand). VCF-style: chr17-63918034-C-T. GRCh37 (hg19) VCF-style: chr17-61995394-C-T.
Other names: c.229G>A, p.Glu77Lys (NM_022559.4); c.172-110G>A (NM_022560.4); short protein forms E77K, E92K.
Identifiers: ClinVar variation 4848353 (VCV004848353.1).
Genomic context (GRCh38, chr17:63,918,034, plus strand): 5'-CAGGTCTCCCCCATCCCCGCCTGGGGAGAAGGCATCCACTCACGGATTTCTGTTGTGTTT[C>T]CTCCCTGTTGGAGGGTGTCGGAATAGACTCTGAGAAACAGAGGGAGGTCTGGGGGTTCTG-3'
Protein context (NP_000506.2, residues 82-102): ESIPTPSNRE[Glu92Lys]TQQKSNLELL

ClinVar aggregate classification (germline): Uncertain significance (1 of 4 stars; one submission).

Submission:

Women's Health and Genetics/Laboratory Corporation of America, LabCorp
Classification: Uncertain significance. Last evaluated: 2026-04-21. Review status: criteria provided, single submitter. Criteria: LabCorp Variant Classification Summary - May 2015. Collection method: clinical testing. Allele origin: germline.
Comment: Variant summary: GH1 c.274G>A (p.Glu92Lys) results in a conservative amino acid change in the encoded protein sequence. Algorithms developed to predict the effect of missense changes on protein structure and function are either unavailable or do not agree on the potential impact of this missense change. The variant was absent in 251460 control chromosomes. The available data on variant occurrences in the general population are insufficient to allow any conclusion about variant significance. To our knowledge, no occurrence of c.274G>A in individuals affected with GH1-related conditions and no experimental evidence demonstrating its impact on protein function have been reported. No submitters have cited clinical-significance assessments for this variant to ClinVar. Based on the evidence outlined above, the variant was classified as uncertain significance.